The following is an entry in ClinVar:

ClinVar aggregate classification (germline): Uncertain significance. Review status: criteria provided, multiple submitters, no conflicts (2 of 4 stars). 4 submissions from 4 submitters: Uncertain significance (4). Last evaluated 2019-07-29.

Conditions:
Hypertrophic cardiomyopathy. Also called: HYPERTROPHIC MYOCARDIOPATHY. Identifiers: Orphanet 217569, MedGen C0007194, MeSH D002312, MONDO:0005045, HP:0001639.
Cardiomyopathy (CMYO). Also called: Cardiomyopathies. Identifiers: Orphanet 167848, MedGen C0878544, MONDO:0004994, HP:0001638. Inheritance: Various modes of inheritance.

Allele frequency attached by ClinVar (database versions not stated): gnomAD exomes 0.00001; gnomAD 0.00003.
gnomAD v4.1: 8 of 1,611,650 alleles (0.0005%); highest among the groups gnomAD compares: Non-Finnish European, 0.00059%; no homozygotes.

Submissions (4):

Color Diagnostics, LLC DBA Color Health
Classification: Uncertain significance for Cardiomyopathy. Last evaluated: 2019-07-29. Review status: criteria provided, single submitter. Criteria: ACMG Guidelines, 2015. Collection method: clinical testing. Allele origin: germline.
Comment: This missense variant replaces asparagine with serine at codon 253 of the MYBPC3 protein. Computational prediction tools and conservation analyses are inconclusive regarding the impact of this variant on protein function. Computational splicing tools suggest that this variant may not impact RNA splicing. To our knowledge, functional assays have not been performed for this variant nor has this variant been reported in individuals affected with cardiovascular disorders in the literature. This variant has been identified in 4/31362 chromosomes in the general population by the Genome Aggregation Database (gnomAD). Available evidence is insufficient to determine the role of this variant in disease conclusively. Therefore, this variant is classified as a Variant of Uncertain Significance.

Blueprint Genetics
Classification: Uncertain significance. Last evaluated: 2019-05-16. Review status: criteria provided, single submitter. Criteria: ACMG Guidelines, 2015. Collection method: clinical testing. Allele origin: germline.

Labcorp Genetics (formerly Invitae), Labcorp
Classification: Uncertain significance for Hypertrophic cardiomyopathy. Last evaluated: 2018-11-08. Review status: criteria provided, single submitter. Criteria: Invitae Variant Classification Sherloc (09022015). Collection method: clinical testing. Allele origin: germline.
Comment: In summary, the available evidence is currently insufficient to determine the role of this variant in disease. Therefore, it has been classified as a Variant of Uncertain Significance. Algorithms developed to predict the effect of sequence changes on RNA splicing suggest that this variant may create or strengthen a splice site. A single experimental study showed that this missense change does not alter splicing (PMID: 28679633). Algorithms developed to predict the effect of missense changes on protein structure and function output the following: SIFT: "Deleterious"; PolyPhen-2: "Benign"; Align-GVGD: "Class C15". The serine amino acid residue is found in multiple mammalian species, suggesting that this missense change does not adversely affect protein function. These predictions have not been confirmed by published functional studies and their clinical significance is uncertain. This variant has not been reported in the literature in individuals with MYBPC3-related disease. ClinVar contains an entry for this variant (Variation ID: 164143). This variant is not present in population databases (ExAC no frequency). This sequence change replaces asparagine with serine at codon 253 of the MYBPC3 protein (p.Asn253Ser). The asparagine residue is highly conserved and there is a small physicochemical difference between asparagine and serine.

Laboratory for Molecular Medicine, Mass General Brigham Personalized Medicine
Classification: Uncertain significance. Last evaluated: 2013-04-09. Review status: criteria provided, single submitter. Criteria: LMM Criteria. Collection method: clinical testing. Allele origin: germline. Observed: 1 variant allele.
Comment: Variant classified as Uncertain Significance - Favor Benign. The Asn253Ser varia nt in MYBPC3 has not been reported in individuals with cardiomyopathy or in larg e population studies. Asparagine (Asn) at position 253 is not conserved in mamm als or evolutionarily distant species and the change to Serine (Ser) is present in four species (2 mammalian). The variant was predicted to be benign using a co mputational tool clinically validated by our laboratory. This tool's benign pred iction is estimated to be correct 89% of the time (Jordan 2011). Although this d ata supports that the Asn253Ser variant may be benign, additional studies are ne eded to fully assess its clinical significance.

Literature cited by the submitters: PubMed 28679633 (cited by Labcorp Genetics (formerly Invitae), Labcorp).

NM_000256.3(MYBPC3):c.758A>G (p.Asn253Ser)

Gene: MYBPC3 (myosin binding protein C3; minus strand). Cytogenetic location: 11p11.2.
Variant type: single nucleotide variant.
Coding change: c.758A>G on transcript NM_000256.3 (MANE Select); coding-DNA position 758, A replaced by G.
Protein change: p.Asn253Ser; replaces asparagine 253 with serine.
Molecular consequence: missense variant.
Genome position (GRCh38, 1-based): chr11:47,348,438, T>C on the plus strand (A>G on the coding strand, the complement: MYBPC3 is on the minus strand). VCF-style: chr11-47348438-T-C. GRCh37 (hg19) VCF-style: chr11-47369989-T-C.
Other names: short protein forms N253S.
Identifiers: ClinVar variation 164143 (VCV000164143.16), dbSNP rs727503214, ClinGen allele CA015790.